The following is an entry in ClinVar:

ClinVar aggregate classification (germline): Uncertain significance (1 of 4 stars; one submission).

Conditions:
Ullrich congenital muscular dystrophy 2 (UCMD2). Identifiers: Orphanet 75840, MedGen C4225314, MONDO:0014654, OMIM 616470.
Bethlem myopathy 2 (BTHLM2). Identifiers: Orphanet 536516, Orphanet 610, MedGen C4225313, MONDO:0034022, OMIM 616471.

gnomAD v4.1: 4 of 1,597,432 alleles (0.00025%); highest among the groups gnomAD compares: East Asian, 0.0023%; no homozygotes.

Submission:

Labcorp Genetics (formerly Invitae), Labcorp
Classification: Uncertain significance for Bethlem myopathy 2; Ullrich congenital muscular dystrophy 2. Last evaluated: 2025-11-12. Review status: criteria provided, single submitter. Criteria: Invitae Variant Classification Sherloc (09022015). Collection method: clinical testing. Allele origin: germline.
Comment: This sequence change replaces valine, which is neutral and non-polar, with glutamic acid, which is acidic and polar, at codon 121 of the COL12A1 protein (p.Val121Glu). The frequency data for this variant in the population databases is considered unreliable, as metrics indicate poor data quality at this position in the gnomAD database. This variant has not been reported in the literature in individuals affected with COL12A1-related conditions. An algorithm developed to predict the effect of missense changes on protein structure and function outputs the following: PolyPhen-2: "Benign". The glutamic acid amino acid residue is found in multiple mammalian species, which suggests that this missense change does not adversely affect protein function. In summary, the available evidence is currently insufficient to determine the role of this variant in disease. Therefore, it has been classified as a Variant of Uncertain Significance.

NM_004370.6(COL12A1):c.362T>A (p.Val121Glu)

Gene: COL12A1 (collagen type XII alpha 1 chain; minus strand). Cytogenetic location: 6q13.
Variant type: single nucleotide variant.
Coding change: c.362T>A on transcript NM_004370.6 (MANE Select); coding-DNA position 362, T replaced by A.
Protein change: p.Val121Glu; replaces valine 121 with glutamic acid.
Molecular consequence: missense variant. On other transcripts: intron variant (2).
Genome position (GRCh38, 1-based): chr6:75,191,733, A>T on the plus strand (T>A on the coding strand, the complement: COL12A1 is on the minus strand). VCF-style: chr6-75191733-A-T. GRCh37 (hg19) VCF-style: chr6-75901449-A-T.
Other names: c.362T>A, p.Val121Glu (NM_001424113.1, NM_001424114.1, NM_001424115.1); c.73+10987T>A (NM_001424116.1, NM_080645.3); short protein forms V121E.
Identifiers: ClinVar variation 4787668 (VCV004787668.1).